The following is an entry in ClinVar:

NM_022836.4(DCLRE1B):c.899G>A (p.Arg300Gln)

Gene: DCLRE1B (DNA cross-link repair 1B; plus strand). Cytogenetic location: 1p13.2.
Variant type: single nucleotide variant.
Coding change: c.899G>A on transcript NM_022836.4 (MANE Select); coding-DNA position 899, G replaced by A.
Protein change: p.Arg300Gln; replaces arginine 300 with glutamine.
Molecular consequence: missense variant.
Genome position (GRCh38, 1-based): chr1:113,911,491, G>A. VCF-style: chr1-113911491-G-A. GRCh37 (hg19) VCF-style: chr1-114454113-G-A.
Other names: c.521G>A, p.Arg174Gln (NM_001319946.2, NM_001319947.2, NM_001363691.2); c.899G>A, p.Arg300Gln (NM_001363690.2); short protein forms R174Q, R300Q.
Identifiers: ClinVar variation 970630 (VCV000970630.9), dbSNP rs1216262296, ClinGen allele CA341703395.

ClinVar aggregate classification (germline): Uncertain significance (1 of 4 stars; one submission).

Conditions:
Hoyeraal-Hreidarsson syndrome (HHS). Also called: CEREBELLAR HYPOPLASIA WITH PANCYTOPENIA. Identifiers: Orphanet 3322, MedGen C1846142, MONDO:0018045.
Autosomal recessive dyskeratosis congenita. Identifiers: MedGen C3502105.

Allele frequency attached by ClinVar (database versions not stated): gnomAD exomes below 0.00001 and 0.00001; gnomAD 0.00001; TOPMed 0.00001.
gnomAD v4.1: 11 of 1,613,960 alleles (0.00068%); highest among the groups gnomAD compares: Admixed American, 0.005%; no homozygotes.

Submission:

Labcorp Genetics (formerly Invitae), Labcorp
Classification: Uncertain significance for Hoyeraal-Hreidarsson syndrome; Autosomal recessive dyskeratosis congenita. Last evaluated: 2019-10-20. Review status: criteria provided, single submitter. Criteria: Invitae Variant Classification Sherloc (09022015). Collection method: clinical testing. Allele origin: germline.
Comment: Algorithms developed to predict the effect of missense changes on protein structure and function output the following: SIFT: "Tolerated"; PolyPhen-2: "Benign"; Align-GVGD: "Class C0". The glutamine amino acid residue is found in multiple mammalian species, suggesting that this missense change does not adversely affect protein function. These predictions have not been confirmed by published functional studies and their clinical significance is uncertain. In summary, the available evidence is currently insufficient to determine the role of this variant in disease. Therefore, it has been classified as a Variant of Uncertain Significance. This variant has not been reported in the literature in individuals with DCLRE1B-related conditions. This variant is not present in population databases (ExAC no frequency). This sequence change replaces arginine with glutamine at codon 300 of the DCLRE1B protein (p.Arg300Gln). The arginine residue is weakly conserved and there is a small physicochemical difference between arginine and glutamine.